The following is an entry in ClinVar:

NM_004448.4(ERBB2):c.3533A>G (p.Asn1178Ser)

Gene: ERBB2 (erb-b2 receptor tyrosine kinase 2; plus strand). Cytogenetic location: 17q12.
Variant type: single nucleotide variant.
Coding change: c.3533A>G on transcript NM_004448.4 (MANE Select); coding-DNA position 3533, A replaced by G.
Protein change: p.Asn1178Ser; replaces asparagine 1178 with serine.
Molecular consequence: missense variant. On other transcripts: 3 prime UTR variant (2), non-coding transcript variant (1).
Genome position (GRCh38, 1-based): chr17:39,727,809, A>G. VCF-style: chr17-39727809-A-G. GRCh37 (hg19) VCF-style: chr17-37884062-A-G.
Other names: c.3443A>G, p.Asn1148Ser (NM_001005862.3, NM_001382782.1, NM_001382783.1); c.3488A>G, p.Asn1163Ser (NM_001289936.2); c.*112A>G (NM_001289937.2, NM_001382803.1); c.3650A>G, p.Asn1217Ser (NM_001382784.1); c.3635A>G, p.Asn1212Ser (NM_001382785.1); c.3614A>G, p.Asn1205Ser (NM_001382786.1); c.3608A>G, p.Asn1203Ser (NM_001382787.1); c.3563A>G, p.Asn1188Ser (NM_001382788.1); and 16 more; short protein forms N1116S, N1145S, N1162S, N1205S, N1212S, N902S, N1092S, N1126S.
Identifiers: ClinVar variation 1493972 (VCV001493972.8), dbSNP rs1302671977, ClinGen allele CA399313383.

ClinVar aggregate classification (germline): Uncertain significance (1 of 4 stars; one submission).

Allele frequency attached by ClinVar (database versions not stated): gnomAD exomes below 0.00001; TOPMed below 0.00001; gnomAD 0.00001.
gnomAD v4.1: 2 of 1,613,378 alleles (0.00012%); highest among the groups gnomAD compares: Admixed American, 0.0017%; no homozygotes.

Submission:

Labcorp Genetics (formerly Invitae), Labcorp
Classification: Uncertain significance. Last evaluated: 2021-05-27. Review status: criteria provided, single submitter. Criteria: Invitae Variant Classification Sherloc (09022015). Collection method: clinical testing. Allele origin: germline.
Comment: Algorithms developed to predict the effect of missense changes on protein structure and function are either unavailable or do not agree on the potential impact of this missense change (SIFT: "Tolerated"; PolyPhen-2: "Probably Damaging"; Align-GVGD: "Class C0"). This variant has not been reported in the literature in individuals with ERBB2-related conditions. This variant is not present in population databases (ExAC no frequency). This sequence change replaces asparagine with serine at codon 1178 of the ERBB2 protein (p.Asn1178Ser). The asparagine residue is moderately conserved and there is a small physicochemical difference between asparagine and serine. In summary, the available evidence is currently insufficient to determine the role of this variant in disease. Therefore, it has been classified as a Variant of Uncertain Significance.